The following is an entry in ClinVar:

NM_005732.4(RAD50):c.2784del (p.Glu928fs)

Gene: RAD50 (RAD50 double strand break repair protein; plus strand). Cytogenetic location: 5q31.1.
Variant type: Deletion.
Coding change: c.2784del on transcript NM_005732.4 (MANE Select); coding-DNA position 2784, one base deleted (A; older notation c.2784delA).
Protein change: p.Glu928fs; shifts the reading frame from glutamic acid 928.
Molecular consequence: frameshift variant.
Genome position (GRCh38, 1-based): chr5:132,608,680, A deleted; the last of 2 consecutive A bases (chr5:132,608,679-132,608,680); deleting either gives the same sequence. VCF-style (leftmost placement, unchanged base first): chr5-132608678-GA-G. GRCh37 (hg19) VCF-style: chr5-131944370-GA-G.
Other names: short protein forms E928fs.
Identifiers: ClinVar variation 1795971 (VCV001795971.2), dbSNP rs2479370004, ClinGen allele CA2580072676.

ClinVar aggregate classification (germline): Pathogenic (1 of 4 stars; one submission).

Conditions:
Hereditary cancer-predisposing syndrome. Also called: Tumor predisposition; Hereditary Cancer Syndrome; Neoplastic Syndromes, Hereditary; Hereditary neoplastic syndrome. Identifiers: Orphanet 140162, MedGen C0027672, MeSH D009386, MONDO:0015356.

Submission:

Ambry Genetics
Classification: Pathogenic for Hereditary cancer-predisposing syndrome. Last evaluated: 2019-06-10. Review status: criteria provided, single submitter. Criteria: Ambry Variant Classification Scheme 2023. Collection method: clinical testing. Allele origin: germline.
Comment: The c.2784delA pathogenic mutation, located in coding exon 17 of the RAD50 gene, results from a deletion of one nucleotide at nucleotide position 2784, causing a translational frameshift with a predicted alternate stop codon (p.E928Dfs*2). This alteration is expected to result in loss of function by premature protein truncation or nonsense-mediated mRNA decay. As such, this alteration is interpreted as a disease-causing mutation.